The following is an entry in ClinVar:

ClinVar aggregate classification (germline): Uncertain significance (1 of 4 stars; one submission).

Submission:

Ambry Genetics
Classification: Uncertain significance. Last evaluated: 2023-12-05. Review status: criteria provided, single submitter. Criteria: Ambry Variant Classification Scheme 2023. Collection method: clinical testing. Allele origin: germline.
Comment: The p.F2426C variant (also known as c.7277T>G), located in coding exon 27 of the POLQ gene, results from a T to G substitution at nucleotide position 7277. The phenylalanine at codon 2426 is replaced by cysteine, an amino acid with highly dissimilar properties. This amino acid position is conserved. In addition, this alteration is predicted to be deleterious by in silico analysis. Since supporting evidence is limited at this time, the clinical significance of this alteration remains unclear.

NM_199420.4(POLQ):c.7277T>G (p.Phe2426Cys)

Gene: POLQ (DNA polymerase theta; minus strand). Cytogenetic location: 3q13.33.
Variant type: single nucleotide variant.
Coding change: c.7277T>G on transcript NM_199420.4 (MANE Select); coding-DNA position 7277, T replaced by G.
Protein change: p.Phe2426Cys; replaces phenylalanine 2426 with cysteine.
Molecular consequence: missense variant.
Genome position (GRCh38, 1-based): chr3:121,440,104, A>C on the plus strand (T>G on the coding strand, the complement: POLQ is on the minus strand). VCF-style: chr3-121440104-A-C. GRCh37 (hg19) VCF-style: chr3-121158951-A-C.
Other names: short protein forms F2426C.
Identifiers: ClinVar variation 3230146 (VCV003230146.1), dbSNP rs2546749975, ClinGen allele CA354098921.